The following is an entry in ClinVar:

NM_003283.6(TNNT1):c.258C>T (p.Phe86=)

Gene: TNNT1 (troponin T1, slow skeletal type; minus strand). Cytogenetic location: 19q13.42.
Variant type: single nucleotide variant.
Coding change: c.258C>T on transcript NM_003283.6 (MANE Select); coding-DNA position 258, C replaced by T.
Protein change: p.Phe86=; no amino-acid change (phenylalanine 86 retained).
Molecular consequence: synonymous variant.
Genome position (GRCh38, 1-based): chr19:55,141,237, G>A on the plus strand (C>T on the coding strand, the complement: TNNT1 is on the minus strand). VCF-style: chr19-55141237-G-A. GRCh37 (hg19) VCF-style: chr19-55652605-G-A.
Other names: c.258C>T, p.Phe86= (NM_001126132.3); c.225C>T, p.Phe75= (NM_001126133.3, NM_001291774.2).
Identifiers: ClinVar variation 2650513 (VCV002650513.24), dbSNP rs2085448443, ClinGen allele CA508989179.

ClinVar aggregate classification (germline): Likely benign (1 of 4 stars; one submission).

Submission:

CeGaT Center for Human Genetics Tuebingen
Classification: Likely benign. Last evaluated: 2022-11-01. Review status: criteria provided, single submitter. Criteria: CeGaT Center For Human Genetics Tuebingen Variant Classification Criteria Version 2. Collection method: clinical testing. Allele origin: germline. Affected: yes. Observed: 1 variant allele.
Comment: TNNT1: PM2:Supporting, BP4, BP7